The following is an entry in ClinVar:

ClinVar aggregate classification (germline): Benign/Likely benign. Review status: criteria provided, multiple submitters, no conflicts (2 of 4 stars). 3 submissions from 3 submitters: Benign (1); Likely benign (2). Last evaluated 2024-06-26.

Conditions:
Hereditary cancer-predisposing syndrome. Also called: Tumor predisposition; Neoplastic Syndromes, Hereditary; Hereditary Cancer Syndrome; Hereditary neoplastic syndrome. Identifiers: Orphanet 140162, MedGen C0027672, MeSH D009386, MONDO:0015356.
Oligodontia-cancer predisposition syndrome. Also called: TOOTH AGENESIS-COLORECTAL CANCER SYNDROME. Identifiers: Orphanet 300576, MedGen C1837750, MONDO:0012075, OMIM 608615. Disease mechanism: loss of function.

Allele frequency attached by ClinVar (database versions not stated): gnomAD exomes below 0.00001.

Submissions (3):

Myriad Genetics, Inc.
Classification: Benign for Oligodontia-cancer predisposition syndrome. Last evaluated: 2024-06-26. Review status: criteria provided, single submitter. Criteria: Myriad Autosomal Dominant, Autosomal Recessive and X-Linked Classification Criteria (2023). Collection method: clinical testing. Allele origin: unknown.
Comment: This variant is considered benign. This variant is a silent/synonymous amino acid change and it is not expected to impact splicing.

Labcorp Genetics (formerly Invitae), Labcorp
Classification: Likely benign for Oligodontia-cancer predisposition syndrome. Last evaluated: 2024-03-06. Review status: criteria provided, single submitter. Criteria: Invitae Variant Classification Sherloc (09022015). Collection method: clinical testing. Allele origin: germline.

Ambry Genetics
Classification: Likely benign for Hereditary cancer-predisposing syndrome. Last evaluated: 2024-03-02. Review status: criteria provided, single submitter. Criteria: Ambry Variant Classification Scheme 2023. Collection method: clinical testing. Allele origin: germline.

NM_004655.4(AXIN2):c.381T>G (p.Thr127=)

Gene: AXIN2 (axin 2; minus strand). Cytogenetic location: 17q24.1.
Variant type: single nucleotide variant.
Coding change: c.381T>G on transcript NM_004655.4 (MANE Select); coding-DNA position 381, T replaced by G.
Protein change: p.Thr127=; no amino-acid change (threonine 127 retained).
Molecular consequence: synonymous variant.
Genome position (GRCh38, 1-based): chr17:65,558,240, A>C on the plus strand (T>G on the coding strand, the complement: AXIN2 is on the minus strand). VCF-style: chr17-65558240-A-C. GRCh37 (hg19) VCF-style: chr17-63554358-A-C.
Other names: c.381T>G, p.Thr127= (NM_001363813.1).
Identifiers: ClinVar variation 2008518 (VCV002008518.6), dbSNP rs2544251546, ClinGen allele CA501691864.